The following is an entry in ClinVar:

NM_001737.5(C9):c.346C>T (p.Arg116Ter)

Gene: C9 (complement C9; minus strand). Cytogenetic location: 5p13.1.
Variant type: single nucleotide variant.
Coding change: c.346C>T on transcript NM_001737.5 (MANE Select); coding-DNA position 346, C replaced by T.
Protein change: p.Arg116Ter; replaces arginine 116 with a stop codon.
Molecular consequence: nonsense.
Genome position (GRCh38, 1-based): chr5:39,341,276, G>A on the plus strand (C>T on the coding strand, the complement: C9 is on the minus strand). VCF-style: chr5-39341276-G-A. GRCh37 (hg19) VCF-style: chr5-39341378-G-A.
Other names: C9, ARG95TER; R95*; c.346C>T, p.Arg116Ter (LRG_32t1); short protein forms R116*.
Identifiers: ClinVar variation 17040 (VCV000017040.21), dbSNP rs121909592, ClinGen allele CA127040.
Genomic context (GRCh38, chr5:39,341,276, plus strand): 5'-TTTCACAATCATCCTCATCTGAAAAGTCTCCGCAGTCATTGTCACCATTACACCGAAGTC[G>A]CATCTTTATGCATCTGCCTGCAATCAAAATCAGGAGAGACTCAATGTATCTAATGTCAAA-3'

ClinVar aggregate classification (germline): Pathogenic/Likely pathogenic. Review status: criteria provided, multiple submitters, no conflicts (2 of 4 stars). 10 submissions from 10 submitters: Pathogenic (7); Likely pathogenic (1). 2 of the submissions do not count toward it. Last evaluated 2026-02-03.

Conditions:
C9-related disorders.
Age related macular degeneration 15. Also called: MACULAR DEGENERATION, AGE-RELATED, 15, SUSCEPTIBILITY TO. Identifiers: MedGen C3810042, MONDO:0014266, OMIM 615591.
Complement component 9 deficiency (C9D). Also called: C9 deficiency. Identifiers: MedGen C3151189, MONDO:0013445, OMIM 613825.

Allele frequency attached by ClinVar (database versions not stated): ExAC 0.00083; 1000 Genomes Project 30x 0.00297; TOPMed 0.00034; gnomAD 0.00058 and 0.00026; 1000 Genomes Project 0.00300.
gnomAD v4.1: 1,048 of 1,613,954 alleles (0.065%); highest among the groups gnomAD compares: East Asian, 2.1%; 15 homozygotes.

Submissions (12):

Women's Health and Genetics/Laboratory Corporation of America, LabCorp
Classification: Pathogenic for Complement component 9 deficiency. Last evaluated: 2026-02-03. Review status: criteria provided, single submitter. Criteria: LabCorp Variant Classification Summary - May 2015. Collection method: clinical testing. Allele origin: germline.
Comment: Variant summary: C9 c.346C>T (p.Arg116X) results in a premature termination codon, predicted to cause a truncation of the encoded protein or absence of the protein due to nonsense mediated decay, which are commonly known mechanisms for disease. The variant allele was found at a frequency of 0.00087 in 251092 control chromosomes. This frequency is not significantly higher than estimated for disease-causing variants in C9, allowing no conclusion about variant significance. c.346C>T has been observed in multiple individuals affected with Complement component 9 deficiency and is commonly reported in individuals of East Asian ancestry (e.g. Horiuchi_1998, Kira_1998, Khajoee_2003, Ichikawa_2001). These data indicate that the variant is very likely to be associated with disease. To our knowledge, no experimental evidence demonstrating an impact on protein function has been reported. The following publications have been ascertained in the context of this evaluation (PMID: 9570574, 11359403, 12596049, 9703418). ClinVar contains an entry for this variant (Variation ID: 17040). Based on the evidence outlined above, the variant was classified as pathogenic.

Labcorp Genetics (formerly Invitae), Labcorp
Classification: Pathogenic. Last evaluated: 2025-11-24. Review status: criteria provided, single submitter. Criteria: Invitae Variant Classification Sherloc (09022015). Collection method: clinical testing. Allele origin: germline.
Comment: This sequence change creates a premature translational stop signal (p.Arg116*) in the C9 gene. It is expected to result in an absent or disrupted protein product. Loss-of-function variants in C9 are known to be pathogenic (PMID: 9144525, 9570574). This variant is present in population databases (rs121909592, gnomAD 1.0%), and has an allele count higher than expected for a pathogenic variant. This premature translational stop signal has been observed in individuals with complement component 9 (C9) deficiency (PMID: 9570574, 9703418, 12596049, 22190594). It is commonly reported in individuals of East Asian ancestry (PMID: 9570574, 9703418, 12596049, 22190594). This variant is also known as Arg95*. ClinVar contains an entry for this variant (Variation ID: 17040). For these reasons, this variant has been classified as Pathogenic.

Blueprint Genetics
Classification: Pathogenic for C9-related disorders. Last evaluated: 2024-11-25. Review status: criteria provided, single submitter. Criteria: ACMG Guidelines, 2015. Collection method: clinical testing. Allele origin: germline. Affected: yes. Observed: 5 variant alleles.

Victorian Clinical Genetics Services, Murdoch Childrens Research Institute
Classification: Pathogenic for Complement component 9 deficiency. Last evaluated: 2024-10-09. Review status: criteria provided, single submitter. Criteria: ACMG Guidelines, 2015. Collection method: clinical testing. Allele origin: germline. Inheritance: Autosomal recessive inheritance.
Comment: Based on the classification scheme VCGS_Germline_v1.3.4, this variant is classified as Pathogenic. Following criteria are met: 0102 - Loss of function is a known mechanism of disease in this gene and is associated with C9 deficiency (MIM#613825). (I) 0106 - This gene is associated with autosomal recessive disease. (I) 0201 - Variant is predicted to cause nonsense-mediated decay (NMD) and loss of protein (premature termination codon is located at least 54 nucleotides upstream of the final exon-exon junction). (SP) 0251 - This variant is heterozygous. (I) 0305 - Variant is present in gnomAD >=0.01 and <0.03 for a recessive condition (v2: 224 heterozygotes, 0 homozygotes; v3: 87 heterozygotes, 1 homozygote). (I) 0701 - Other NMD-predicted variants comparable to the one identified in this case have very strong previous evidence for pathogenicity (DECIPHER). (SP) 0801 - This variant has strong previous evidence of pathogenicity in unrelated individuals. This variant has been reported as pathogenic in multiple individuals with C9 deficiency and is regarded as a Japanese founder variant (ClinVar, PMID: 9570574). (SP) 1208 - Inheritance information for this variant is not currently available in this individual. (I) Legend: (SP) - Supporting pathogenic, (I) - Information, (SB) - Supporting benign

Fulgent Genetics
Classification: Likely pathogenic for Complement component 9 deficiency; Age related macular degeneration 15. Last evaluated: 2024-01-02. Review status: criteria provided, single submitter. Criteria: ACMG Guidelines, 2015. Collection method: clinical testing. Allele origin: germline.

Department of Pathology and Laboratory Medicine, Sinai Health System
Classification: Pathogenic for Complement component 9 deficiency. Last evaluated: 2023-08-17. Review status: criteria provided, single submitter. Criteria: ACMG Guidelines, 2015. Collection method: research. Allele origin: germline.

Revvity Omics, Revvity
Classification: Pathogenic for Complement component 9 deficiency. Last evaluated: 2020-10-26. Review status: criteria provided, single submitter. Criteria: ACMG Guidelines, 2015. Collection method: clinical testing. Allele origin: germline.

Juno Genomics, Hangzhou Juno Genomics, Inc
Classification: Pathogenic for Age related macular degeneration 15; Complement component 9 deficiency. Review status: criteria provided, single submitter. Criteria: ACMG Guidelines, 2015. Collection method: clinical testing. Allele origin: germline.
Comment: Null variant in a gene where loss of function (LOF) is a known mechanism of disease.;For recessive disorders, detected in trans with a pathogenic variant.

Reproductive Health Research and Development, BGI Genomics
Classification: Pathogenic for Complement component 9 deficiency. Last evaluated: 2020-01-06. Review status: no assertion criteria provided. Collection method: curation. Allele origin: germline. Not counted in ClinVar's aggregate classification.
Comment: NM_001737.3:c.346C>T in the C9 gene has an allele frequency of 0.01 in East Asian subpopulation in the gnomAD database. The C9 c.346C>T (p.Arg116*) variant has been reported in five Japanese C9-deficient patients in homozygous states (PMID: 9703418; 11359403). Another study revealed that eight of the 10 C9D subjects were homozygous for this variant, which was assumed to be a founder mutation in Japanese (PMID: 9570574). This variant is predicted to cause loss of normal protein function either through protein truncation or nonsense-mediated mRNA decay. Taken together, we interprete this variant as Pathogenic/Likely pathogenic. ACMG/AMP Criteria applied: PVS1; PM3; PS4.

OMIM
Classification: Pathogenic for C9 DEFICIENCY. Last evaluated: 2003-03-01. Review status: no assertion criteria provided. Collection method: literature only. Allele origin: germline. Not counted in ClinVar's aggregate classification.

Dr. Peter K. Rogan Lab, Western University
No classification provided (evidence only). Condition: Thyroid cancer, nonmedullary, 1. Review status: no classification provided. Collection method: in vitro. Allele origin: not applicable. Functional consequence: retained intron. Not counted in ClinVar's aggregate classification.

Dr. Peter K. Rogan Lab, Western University
No classification provided (evidence only). Condition: Gastric cancer. Review status: no classification provided. Collection method: in vitro. Allele origin: not applicable. Functional consequence: retained intron. Not counted in ClinVar's aggregate classification.

Literature cited by the submitters: PubMed 9570574 (cited by 4 submitters); PubMed 11359403 (cited by Women's Health and Genetics/Laboratory Corporation of America, LabCorp and OMIM); PubMed 12596049 (cited by 3 submitters); PubMed 9703418 (cited by 3 submitters); PubMed 9144525 (cited by Labcorp Genetics (formerly Invitae), Labcorp); PubMed 22190594 (cited by Labcorp Genetics (formerly Invitae), Labcorp).